The following is an entry in ClinVar:

NM_000170.3(GLDC):c.2635dup (p.Val879fs)

Gene: GLDC (glycine decarboxylase; minus strand). Cytogenetic location: 9p24.1.
Variant type: Duplication.
Coding change: c.2635dup on transcript NM_000170.3 (MANE Select); coding-DNA position 2635, one base duplicated (G; older notation c.2635dupG).
Protein change: p.Val879fs; shifts the reading frame from valine 879.
Molecular consequence: frameshift variant.
Genome position (GRCh38, 1-based): chr9:6,540,081, C duplicated on the plus strand (G on the coding strand, the reverse complement: GLDC is on the minus strand). VCF-style (leftmost placement, unchanged base first): chr9-6540080-A-AC. GRCh37 (hg19) VCF-style: chr9-6540080-A-AC.
Other names: short protein forms V879fs.
Identifiers: ClinVar variation 5011751 (VCV005011751.1).

ClinVar aggregate classification (germline): Pathogenic (1 of 4 stars; one submission).

Conditions:
Glycine encephalopathy 1 (GCE1). Identifiers: MedGen CN376801, MONDO:0958179, OMIM 605899.

Submission:

Myriad Genetics, Inc.
Classification: Pathogenic for Glycine encephalopathy 1. Last evaluated: 2023-09-27. Review status: criteria provided, single submitter. Criteria: Myriad Autosomal Dominant, Autosomal Recessive and X-Linked Classification Criteria (2023). Collection method: clinical testing. Allele origin: unknown.
Comment: NM_000170.2(GLDC):c.2635dupG(V879Gfs*31) is expected to be pathogenic in the context of glycine encephalopathy, GLDC-related. This variant is predicted to lead to an abnormal or absent protein product due to the creation of a premature termination codon in GLDC, a gene where loss-of-function variants are known to be pathogenic. Please note: this variant was assessed in the context of healthy population screening.